The following is an entry in ClinVar:

ClinVar aggregate classification (germline): Benign/Likely benign. Review status: criteria provided, multiple submitters, no conflicts (2 of 4 stars). 5 submissions from 5 submitters: Benign (2); Likely benign (3). Last evaluated 2026-02-01.

Conditions:
LAMA2-related muscular dystrophy (LAMA2-RD). Also called: Laminin alpha 2-related dystrophy. Identifiers: MedGen C5679788, MONDO:0100228.

Allele frequency attached by ClinVar (database versions not stated): 1000 Genomes Project 30x 0.00031; 1000 Genomes Project 0.00040; gnomAD 0.00081 and 0.00085; TOPMed 0.00096; ESP Exome Variant Server 0.00115.
gnomAD v4.1: 1,427 of 1,612,630 alleles (0.088%); highest among the groups gnomAD compares: Middle Eastern, 0.41%; 14 homozygotes.

Submissions (5):

Labcorp Genetics (formerly Invitae), Labcorp
Classification: Benign for LAMA2-related muscular dystrophy. Last evaluated: 2026-02-01. Review status: criteria provided, single submitter. Criteria: Invitae Variant Classification Sherloc (09022015). Collection method: clinical testing. Allele origin: germline.

Genomic Medicine Center of Excellence, King Faisal Specialist Hospital and Research Centre
Classification: Likely benign. Last evaluated: 2025-08-18. Review status: criteria provided, single submitter. Criteria: ACMG Guidelines, 2015. Collection method: clinical testing. Allele origin: germline.

Blueprint Genetics
Classification: Likely benign. Last evaluated: 2024-11-21. Review status: criteria provided, single submitter. Criteria: ACMG Guidelines, 2015. Collection method: clinical testing. Allele origin: germline.

GeneDx
Classification: Likely benign. Last evaluated: 2016-04-18. Review status: criteria provided, single submitter. Criteria: GeneDx Variant Classification (06012015). Collection method: clinical testing. Allele origin: germline. Affected: yes.
Comment: This variant is considered likely benign or benign based on one or more of the following criteria: it is a conservative change, it occurs at a poorly conserved position in the protein, it is predicted to be benign by multiple in silico algorithms, and/or has population frequency not consistent with disease.

PreventionGenetics, part of Exact Sciences
Classification: Benign. Review status: criteria provided, single submitter. Criteria: ACMG Guidelines, 2015. Collection method: clinical testing. Allele origin: germline.

NM_000426.4(LAMA2):c.2323-18T>A

Gene: LAMA2 (laminin subunit alpha 2; plus strand). Cytogenetic location: 6q22.33.
Variant type: single nucleotide variant.
Coding change: c.2323-18T>A on transcript NM_000426.4 (MANE Select); 18 bases into the intron before coding-DNA position 2323, T replaced by A.
Molecular consequence: intron variant.
Genome position (GRCh38, 1-based): chr6:129,270,606, T>A. VCF-style: chr6-129270606-T-A. GRCh37 (hg19) VCF-style: chr6-129591751-T-A.
Other names: c.2323-18T>A (NM_001079823.2).
Identifiers: ClinVar variation 256056 (VCV000256056.14), dbSNP rs199846930, ClinGen allele CA3992909.